The following is an entry in ClinVar:

ClinVar aggregate classification (germline): Uncertain significance. Review status: criteria provided, multiple submitters, no conflicts (2 of 4 stars). 2 submissions from 2 submitters: Uncertain significance (2). Last evaluated 2025-10-29.

Conditions:
Inborn genetic diseases. Identifiers: MedGen C0950123, MeSH D030342.
Stormorken syndrome (STRMK). Also called: THROMBOCYTOPATHY, ASPLENIA, AND MIOSIS. Identifiers: Orphanet 3204, MedGen C1861451, MONDO:0008497, OMIM 185070.
Combined immunodeficiency due to STIM1 deficiency. Also called: IMMUNODEFICIENCY 10; STIM1 DEFICIENCY. Identifiers: Orphanet 169090, Orphanet 317430, MedGen C2748557, MONDO:0013008, OMIM 612783.
Myopathy with tubular aggregates (TAM). Also called: Tubular Aggregate Myopathy. Identifiers: Orphanet 2593, MedGen C0410207, MONDO:0008051.

Allele frequency attached by ClinVar (database versions not stated): gnomAD 0.00002; TOPMed 0.00002; gnomAD exomes 0.00010.
gnomAD v4.1: 138 of 1,601,676 alleles (0.0086%); highest among the groups gnomAD compares: Non-Finnish European, 0.012%; no homozygotes.

Submissions (2):

Labcorp Genetics (formerly Invitae), Labcorp
Classification: Uncertain significance for Myopathy with tubular aggregates; Combined immunodeficiency due to STIM1 deficiency; Stormorken syndrome. Last evaluated: 2025-10-29. Review status: criteria provided, single submitter. Criteria: Invitae Variant Classification Sherloc (09022015). Collection method: clinical testing. Allele origin: germline.
Comment: This sequence change replaces threonine, which is neutral and polar, with alanine, which is neutral and non-polar, at codon 307 of the STIM1 protein (p.Thr307Ala). This variant is present in population databases (rs773169744, gnomAD 0.004%). This variant has not been reported in the literature in individuals affected with STIM1-related conditions. ClinVar contains an entry for this variant (Variation ID: 2050080). Invitae Evidence Modeling of protein sequence and biophysical properties (such as structural, functional, and spatial information, amino acid conservation, physicochemical variation, residue mobility, and thermodynamic stability) has been performed for this missense variant. However, the output from this modeling did not meet the statistical confidence thresholds required to predict the impact of this variant on STIM1 protein function. In summary, the available evidence is currently insufficient to determine the role of this variant in disease. Therefore, it has been classified as a Variant of Uncertain Significance.

Ambry Genetics
Classification: Uncertain significance for Inborn genetic diseases. Last evaluated: 2023-02-13. Review status: criteria provided, single submitter. Criteria: Ambry Variant Classification Scheme 2023. Collection method: clinical testing. Allele origin: germline.

NM_001382567.1(STIM1):c.919A>G (p.Thr307Ala)

Gene: STIM1 (stromal interaction molecule 1; plus strand). Cytogenetic location: 11p15.4.
Variant type: single nucleotide variant.
Coding change: c.919A>G on transcript NM_001382567.1 (MANE Select); coding-DNA position 919, A replaced by G.
Protein change: p.Thr307Ala; replaces threonine 307 with alanine.
Molecular consequence: missense variant.
Genome position (GRCh38, 1-based): chr11:4,074,629, A>G. VCF-style: chr11-4074629-A-G. GRCh37 (hg19) VCF-style: chr11-4095859-A-G.
Other names: c.919A>G, p.Thr307Ala (NM_001277961.3, NM_001277962.2, NM_001382568.1 and 2 more transcripts); c.697A>G, p.Thr233Ala (NM_001382566.1, NM_001382573.1, NM_001382574.1 and 5 more transcripts); c.784A>G, p.Thr262Ala (NM_001382569.1); c.691A>G, p.Thr231Ala (NM_001382570.1); c.439A>G, p.Thr147Ala (NM_001382571.1); c.430A>G, p.Thr144Ala (NM_001382580.1, NM_001382581.1); short protein forms T262A, T144A, T147A, T231A, T307A, T233A.
Identifiers: ClinVar variation 2050080 (VCV002050080.6), dbSNP rs773169744, ClinGen allele CA5830355.